The following is an entry in ClinVar:

ClinVar aggregate classification (germline): Likely benign (1 of 4 stars; one submission).

Allele frequency attached by ClinVar (database versions not stated): gnomAD exomes below 0.00001; ExAC 0.00001.
gnomAD v4.1: 1 of 1,612,784 alleles (0.000062%); highest among the groups gnomAD compares: Non-Finnish European, 0.000085%; no homozygotes.

Submission:

CeGaT Center for Human Genetics Tuebingen
Classification: Likely benign. Last evaluated: 2022-09-01. Review status: criteria provided, single submitter. Criteria: CeGaT Center For Human Genetics Tuebingen Variant Classification Criteria Version 2. Collection method: clinical testing. Allele origin: germline. Affected: yes. Observed: 1 variant allele.
Comment: CIZ1: BP4, BP7

NM_001131016.2(CIZ1):c.1188G>A (p.Glu396=)

Gene: CIZ1 (CDKN1A interacting zinc finger protein 1; minus strand). Cytogenetic location: 9q34.11.
Variant type: single nucleotide variant.
Coding change: c.1188G>A on transcript NM_001131016.2 (MANE Select); coding-DNA position 1188, G replaced by A.
Protein change: p.Glu396=; no amino-acid change (glutamic acid 396 retained).
Molecular consequence: synonymous variant. On other transcripts: intron variant (3).
Genome position (GRCh38, 1-based): chr9:128,179,019, C>T on the plus strand (G>A on the coding strand, the complement: CIZ1 is on the minus strand). VCF-style: chr9-128179019-C-T. GRCh37 (hg19) VCF-style: chr9-130941298-C-T.
Other names: c.1278G>A, p.Glu426= (NM_001257975.2); c.885G>A, p.Glu295= (NM_001257976.2); c.1188G>A, p.Glu396= (NM_012127.3); c.1134+54G>A (NM_001131015.2); c.1062+54G>A (NM_001131018.2); c.1119+54G>A (NM_001131017.2).
Identifiers: ClinVar variation 2659519 (VCV002659519.24), dbSNP rs765492978, ClinGen allele CA5257363.